The following is an entry in ClinVar:

ClinVar aggregate classification (germline): Uncertain significance (1 of 4 stars; one submission).

Allele frequency attached by ClinVar (database versions not stated): gnomAD exomes below 0.00001.
gnomAD v4.1: 3 of 1,614,146 alleles (0.00019%); highest among the groups gnomAD compares: Non-Finnish European, 0.00025%; no homozygotes.

Submission:

GeneDx
Classification: Uncertain significance. Last evaluated: 2019-10-14. Review status: criteria provided, single submitter. Criteria: GeneDx Variant Classification Process June 2021. Collection method: clinical testing. Allele origin: germline. Affected: yes.
Comment: Not observed at a significant frequency in large population cohorts (Lek et al., 2016); In silico analysis, which includes protein predictors and evolutionary conservation, supports that this variant does not alter protein structure/function; Has not been previously published as pathogenic or benign to our knowledge

NM_002055.5(GFAP):c.328A>G (p.Thr110Ala)

Gene: GFAP (glial fibrillary acidic protein; minus strand). Cytogenetic location: 17q21.31.
Variant type: single nucleotide variant.
Coding change: c.328A>G on transcript NM_002055.5 (MANE Select); coding-DNA position 328, A replaced by G.
Protein change: p.Thr110Ala; replaces threonine 110 with alanine.
Molecular consequence: missense variant.
Genome position (GRCh38, 1-based): chr17:44,915,159, T>C on the plus strand (A>G on the coding strand, the complement: GFAP is on the minus strand). VCF-style: chr17-44915159-T-C. GRCh37 (hg19) VCF-style: chr17-42992527-T-C.
Other names: c.328A>G, p.Thr110Ala (NM_001131019.3, NM_001242376.3, NM_001363846.2); short protein forms T110A.
Identifiers: ClinVar variation 1309422 (VCV001309422.2), dbSNP rs965980134, ClinGen allele CA291034158.